The following is an entry in ClinVar:

ClinVar aggregate classification (germline): Benign. Review status: criteria provided, multiple submitters, no conflicts (2 of 4 stars). 3 submissions from 3 submitters: Benign (3). Last evaluated 2026-06-09.

Conditions:
PDE10A-related disorder. Also called: PDE10A-related condition.

Allele frequency attached by ClinVar (database versions not stated): ExAC 0.00261; 1000 Genomes Project 0.00579; 1000 Genomes Project 30x 0.00593; gnomAD 0.00791 and 0.00849; TOPMed 0.00859; ESP Exome Variant Server 0.00969; gnomAD exomes 0.00070 and 0.00200.
gnomAD v4.1: 2,268 of 1,611,420 alleles (0.14%); highest among the groups gnomAD compares: African/African-American, 2.7%; 23 homozygotes.

Submissions (4):

PreventionGenetics, part of Exact Sciences
Classification: Benign for PDE10A-related condition. Last evaluated: 2026-06-09. Review status: criteria provided, single submitter. Criteria: ACMG Guidelines, 2015. Collection method: clinical testing. Allele origin: germline.
Comment: This variant is classified as benign based on ACMG/AMP sequence variant interpretation guidelines (Richards et al. 2015 PMID: 25741868, with internal and published modifications).

Labcorp Genetics (formerly Invitae), Labcorp
Classification: Benign. Last evaluated: 2026-01-15. Review status: criteria provided, single submitter. Criteria: Invitae Variant Classification Sherloc (09022015). Collection method: clinical testing. Allele origin: germline.

Mayo Clinic Laboratories, Mayo Clinic
Classification: Benign. Last evaluated: 2025-05-22. Review status: criteria provided, single submitter. Criteria: ACMG Guidelines, 2015. Collection method: clinical testing. Allele origin: germline. Observed: 1 variant allele.
Comment: BS1, BS2, BP4, BP7

Dr. Peter K. Rogan Lab, Western University
No classification provided (evidence only). Condition: Clear cell carcinoma of kidney. Review status: no classification provided. Collection method: in vitro. Allele origin: not applicable. Functional consequence: retained intron. Not counted in ClinVar's aggregate classification.

NM_001385079.1(PDE10A):c.2289C>A (p.Ser763=)

Gene: PDE10A (phosphodiesterase 10A; minus strand). Cytogenetic location: 6q27.
Variant type: single nucleotide variant.
Coding change: c.2289C>A on transcript NM_001385079.1 (MANE Select); coding-DNA position 2289, C replaced by A.
Protein change: p.Ser763=; no amino-acid change (serine 763 retained).
Molecular consequence: synonymous variant.
Genome position (GRCh38, 1-based): chr6:165,395,195, G>T on the plus strand (C>A on the coding strand, the complement: PDE10A is on the minus strand). VCF-style: chr6-165395195-G-T. GRCh37 (hg19) VCF-style: chr6-165808684-G-T.
Other names: p.Ser497=; c.1491C>A, p.Ser497= (NM_001130690.3); c.1461C>A, p.Ser487= (NM_006661.4).
Identifiers: ClinVar variation 780668 (VCV000780668.14), dbSNP rs61733391, ClinGen allele CA4092151.